The following is an entry in ClinVar:

ClinVar aggregate classification (germline): Conflicting classifications of pathogenicity. Review status: criteria provided, conflicting classifications (1 of 4 stars). 2 submissions from 2 submitters: Uncertain significance (1); Likely benign (1). Last evaluated 2025-09-13.

Conditions:
ATP2B1-related disorder. Also called: ATP2B1-related condition.
Inborn genetic diseases. Identifiers: MedGen C0950123, MeSH D030342.

gnomAD v4.1: 58 of 1,557,070 alleles (0.0037%); highest among the groups gnomAD compares: Non-Finnish European, 0.0045%; no homozygotes.

Submissions (2):

PreventionGenetics, part of Exact Sciences
Classification: Likely benign for ATP2B1-related condition. Last evaluated: 2025-09-13. Review status: criteria provided, single submitter. Criteria: ACMG Guidelines, 2015. Collection method: clinical testing. Allele origin: germline.
Comment: This variant is classified as likely benign based on ACMG/AMP sequence variant interpretation guidelines (Richards et al. 2015 PMID: 25741868, with internal and published modifications).

Ambry Genetics
Classification: Uncertain significance for Inborn genetic diseases. Last evaluated: 2024-12-31. Review status: criteria provided, single submitter. Criteria: Ambry Variant Classification Scheme 2023. Collection method: clinical testing. Allele origin: germline.
Comment: The c.928+6A>C intronic alteration consists of a A to C substitution nucleotides after coding exon 5 in the ATP2B1 gene. Based on insufficient or conflicting evidence, the clinical significance of this alteration remains unclear.

NM_001366521.1(ATP2B1):c.928+6A>C

Gene: ATP2B1 (ATPase plasma membrane Ca2+ transporting 1; minus strand). Cytogenetic location: 12q21.33.
Variant type: single nucleotide variant.
Coding change: c.928+6A>C on transcript NM_001366521.1 (MANE Select); 6 bases into the intron after coding-DNA position 928, A replaced by C.
Molecular consequence: intron variant.
Genome position (GRCh38, 1-based): chr12:89,630,499, T>G on the plus strand (A>C on the coding strand, the complement: ATP2B1 is on the minus strand). VCF-style: chr12-89630499-T-G. GRCh37 (hg19) VCF-style: chr12-90024276-T-G.
Other names: c.730+6A>C (NM_001413053.1, NM_001366530.1); c.407-3884A>C (NM_001413060.1, NM_001366531.1, NM_001413058.1 and 2 more transcripts); c.673+6A>C (NM_001413056.1); c.788-2783A>C (NM_001413051.1, NM_001413055.1, NM_001413052.1); c.928+6A>C (NM_001413048.1, NM_001413054.1, NM_001413050.1 and 14 more transcripts); c.475+6A>C (NM_001413057.1).
Identifiers: ClinVar variation 3805752 (VCV003805752.2).